The following is an entry in ClinVar:

NM_198699.1(KRTAP10-12):c.111T>C (p.Cys37=)

Genes: KRTAP10-12 (keratin associated protein 10-12; plus strand), TSPEAR (thrombospondin type laminin G domain and EAR repeats; minus strand). Cytogenetic location: 21q22.3.
Variant type: single nucleotide variant.
Coding change: c.111T>C on transcript NM_198699.1 (MANE Select); coding-DNA position 111, T replaced by C.
Protein change: p.Cys37=; no amino-acid change (cysteine 37 retained).
Molecular consequence: synonymous variant. On other transcripts: intron variant (2).
Genome position (GRCh38, 1-based): chr21:44,697,312, T>C. VCF-style: chr21-44697312-T-C. GRCh37 (hg19) VCF-style: chr21-46117227-T-C.
Other names: c.82+14121A>G (NM_144991.3); c.-184-6706A>G (NM_001272037.2).
Identifiers: ClinVar variation 4872412 (VCV004872412.2).

ClinVar aggregate classification (germline): Likely benign (1 of 4 stars; one submission).

gnomAD v4.1: 473 of 1,612,446 alleles (0.029%); highest among the groups gnomAD compares: African/African-American, 0.35%; no homozygotes.

Submission:

CeGaT Center for Human Genetics Tuebingen
Classification: Likely benign. Last evaluated: 2026-04-01. Review status: criteria provided, single submitter. Criteria: CeGaT Center For Human Genetics Tuebingen Variant Classification Criteria Version 2. Collection method: clinical testing. Allele origin: germline. Affected: yes. Observed: 1 variant allele.
Comment: KRTAP10-12: BP4, BP7